The following is an entry in ClinVar:

ClinVar aggregate classification (germline): Pathogenic/Likely pathogenic. Review status: criteria provided, multiple submitters, no conflicts (2 of 4 stars). 2 submissions from 2 submitters: Pathogenic (1); Likely pathogenic (1). Last evaluated 2025-06-16.

Conditions:
Usher syndrome type 1F (USH1F). Also called: USHER SYNDROME, TYPE IF. Identifiers: Orphanet 231169, Orphanet 886, MedGen C1865885, MONDO:0011186, OMIM 602083.

Submissions (2):

Natera, Inc.
Classification: Likely pathogenic for Usher syndrome type 1F. Last evaluated: 2025-06-16. Review status: criteria provided, single submitter. Criteria: Natera Variant Classification Schema (03/2026). Collection method: clinical testing. Allele origin: germline.
Comment: The c.1561_1580delinsTAAAAGTGTTCCTGTTTCTCCACATCCTCTCCAGCACCTGTTGTTTCCTGACTTTTTAATGATTGCCATTCTAACTGGTGTGAGATGGTATCTCATTGTGGTTTTGTCATGGCCATCAGAGAAATGCAAATCAAAACATA variant in PCDH15 is a deletion-insertion (delins) variant predicted to replace one or more nucleotides with a different sequence. This variant is expected to result in nonsense mediated decay, truncation, or a dysfunctional protein product. This variant is rare in the general population with a frequency below the threshold expected for the associated phenotype(s). Given the available evidence, this variant is classified as Likely Pathogenic.

Labcorp Genetics (formerly Invitae), Labcorp
Classification: Pathogenic. Last evaluated: 2024-08-23. Review status: criteria provided, single submitter. Criteria: Invitae Variant Classification Sherloc (09022015). Collection method: clinical testing. Allele origin: germline.
Comment: This sequence change creates a premature translational stop signal (p.Asp521*) in the PCDH15 gene. It is expected to result in an absent or disrupted protein product. Loss-of-function variants in PCDH15 are known to be pathogenic (PMID: 11398101, 11487575, 14570705). This variant is not present in population databases (gnomAD no frequency). This variant has not been reported in the literature in individuals affected with PCDH15-related conditions. For these reasons, this variant has been classified as Pathogenic.

Literature cited by the submitters: PubMed 11398101 (cited by Labcorp Genetics (formerly Invitae), Labcorp); PubMed 11487575 (cited by Labcorp Genetics (formerly Invitae), Labcorp); PubMed 14570705 (cited by Labcorp Genetics (formerly Invitae), Labcorp).

NM_001384140.1(PCDH15):c.1561_1580delinsTAAAAGTGTTCCTGTTTCTCCACATCCTCTCCAGCACCTGTTGTTTCCTGACTTTTTAATGATTGCCATTCTAACTGGTGTGAGATGGTATCTCATTGTGGTTTTGTCATGGCCATCAGAGAAATGCAAATCAAAACATA (p.Asp521_Ser527delinsTer)

Gene: PCDH15 (protocadherin related 15; minus strand). Cytogenetic location: 10q21.1.
Variant type: Indel.
Coding change: c.1561_1580delinsTAAAAGTGTTCCTGTTTCTCCACATCCTCTCCAGCACCTGTTGTTTCCTGACTTTTTAATGATTGCCATTCTAACTGGTGTGAGATGGTATCTCATTGTGGTTTTGTCATGGCCATCAGAGAAATGCAAATCAAAACATA on transcript NM_001384140.1 (MANE Select); coding-DNA positions 1561 to 1580, the reference bases replaced by an inserted sequence.
Protein change: p.Asp521_Ser527delinsTer.
Molecular consequence: nonsense.
Genome position (GRCh38, 1-based): chr10:54,183,454-54,183,473, 20 bases replaced. GRCh37 (hg19): chr10:55,943,214-55,943,233.
Other names: c.1576_1595delinsTAAAAGTGTTCCTGTTTCTCCACATCCTCTCCAGCACCTGTTGTTTCCTGACTTTTTAATGATTGCCATTCTAACTGGTGTGAGATGGTATCTCATTGTGGTTTTGTCATGGCCATCAGAGAAATGCAAATCAAAACATA, p.Asp526_Ser532delinsTer (NM_001142763.2, NM_001142771.2); c.1561_1580delinsTAAAAGTGTTCCTGTTTCTCCACATCCTCTCCAGCACCTGTTGTTTCCTGACTTTTTAATGATTGCCATTCTAACTGGTGTGAGATGGTATCTCATTGTGGTTTTGTCATGGCCATCAGAGAAATGCAAATCAAAACATA, p.Asp521_Ser527delinsTer (NM_001142764.2, NM_001142765.2, NM_001142766.2 and 6 more transcripts); c.1450_1469delinsTAAAAGTGTTCCTGTTTCTCCACATCCTCTCCAGCACCTGTTGTTTCCTGACTTTTTAATGATTGCCATTCTAACTGGTGTGAGATGGTATCTCATTGTGGTTTTGTCATGGCCATCAGAGAAATGCAAATCAAAACATA, p.Asp484_Ser490delinsTer (NM_001142767.2); c.1495_1514delinsTAAAAGTGTTCCTGTTTCTCCACATCCTCTCCAGCACCTGTTGTTTCCTGACTTTTTAATGATTGCCATTCTAACTGGTGTGAGATGGTATCTCATTGTGGTTTTGTCATGGCCATCAGAGAAATGCAAATCAAAACATA, p.Asp499_Ser505delinsTer (NM_001142768.2, NM_001142773.2, NM_001354404.2); c.1597_1616del20insTAAAAGTGTTCCTGTTTCTCCACATCCTCTCCAGCACCTGTTGTTTCCTGACTTTTTAATGATTGCCATTCTAACTGGTGTGAGATGGTATCTCATTGTGGTTTTGTCATGGCCATCAGAGAAATGCAAATCAAAACATA, p.Asp533_Val873delinsTer (NM_001142769.4); c.1582_1601delinsTAAAAGTGTTCCTGTTTCTCCACATCCTCTCCAGCACCTGTTGTTTCCTGACTTTTTAATGATTGCCATTCTAACTGGTGTGAGATGGTATCTCATTGTGGTTTTGTCATGGCCATCAGAGAAATGCAAATCAAAACATA, p.Asp528_Ser534delinsTer (NM_001354411.2).
Identifiers: ClinVar variation 2125608 (VCV002125608.5), dbSNP rs2539474347, ClinGen allele CA2580081631.